The following is an entry in ClinVar:

ClinVar aggregate classification (germline): Uncertain significance. Review status: criteria provided, multiple submitters, no conflicts (2 of 4 stars). 4 submissions from 4 submitters: Uncertain significance (4). Last evaluated 2024-05-13.

Conditions:
Hereditary cancer-predisposing syndrome. Also called: Neoplastic Syndromes, Hereditary; Tumor predisposition; Hereditary Cancer Syndrome; Hereditary neoplastic syndrome. Identifiers: Orphanet 140162, MedGen C0027672, MeSH D009386, MONDO:0015356.
Ataxia-telangiectasia-like disorder 1 (ATLD1). Identifiers: Orphanet 251347, MedGen C4012790, MONDO:0024557, OMIM 604391.
Ataxia-telangiectasia-like disorder (ATLD). Identifiers: MedGen C1858391, MONDO:0011457.

Submissions (4):

Quest Diagnostics Nichols Institute San Juan Capistrano
Classification: Uncertain significance. Last evaluated: 2024-05-13. Review status: criteria provided, single submitter. Criteria: Quest Diagnostics criteria. Collection method: clinical testing. Allele origin: unknown.

Fulgent Genetics
Classification: Uncertain significance for Ataxia-telangiectasia-like disorder 1. Last evaluated: 2024-04-11. Review status: criteria provided, single submitter. Criteria: ACMG Guidelines, 2015. Collection method: clinical testing. Allele origin: germline.

Labcorp Genetics (formerly Invitae), Labcorp
Classification: Uncertain significance for Ataxia-telangiectasia-like disorder. Last evaluated: 2023-12-22. Review status: criteria provided, single submitter. Criteria: Invitae Variant Classification Sherloc (09022015). Collection method: clinical testing. Allele origin: germline.
Comment: This sequence change replaces leucine, which is neutral and non-polar, with valine, which is neutral and non-polar, at codon 7 of the MRE11 protein (p.Leu7Val). Information on the frequency of this variant in the gnomAD database is not available, as this variant may be reported differently in the database. This variant has not been reported in the literature in individuals affected with MRE11-related conditions. ClinVar contains an entry for this variant (Variation ID: 231444). Experimental studies and prediction algorithms are not available or were not evaluated, and the functional significance of this variant is currently unknown. In summary, the available evidence is currently insufficient to determine the role of this variant in disease. Therefore, it has been classified as a Variant of Uncertain Significance.

Ambry Genetics
Classification: Uncertain significance for Hereditary cancer-predisposing syndrome. Last evaluated: 2022-12-13. Review status: criteria provided, single submitter. Criteria: Ambry Variant Classification Scheme 2023. Collection method: clinical testing. Allele origin: germline.
Comment: The c.18_19delACinsTG variant, located in coding exon 1 of the MRE11A gene, results from an in-frame deletion of AC and insertion of TG at nucleotide positions 18 to 19. This results in the substitution of the leucine residue for a valine residue at codon 7, an amino acid with highly similar properties. This amino acid position is highly conserved on limited alignment. In silico splice site analysis predicts that this alteration may weaken the native splice donor site. Since supporting evidence is limited at this time, the clinical significance of this alteration remains unclear.

Literature cited by the submitters: PubMed 33471991 (cited by Quest Diagnostics Nichols Institute San Juan Capistrano).

NM_005591.4(MRE11):c.18_19delinsTG (p.Leu7Val)

Gene: MRE11 (MRE11 double strand break repair nuclease; minus strand). Cytogenetic location: 11q21.
Variant type: Indel.
Coding change: c.18_19delinsTG on transcript NM_005591.4 (MANE Select); coding-DNA positions 18 to 19, AC replaced by TG.
Protein change: p.Leu7Val; replaces leucine 7 with valine.
Molecular consequence: missense variant.
Genome position (GRCh38, 1-based): chr11:94,492,783-94,492,784, GT replaced by CA on the plus strand (AC replaced by TG on the coding strand, the reverse complement: MRE11 is on the minus strand). VCF-style: chr11-94492783-GT-CA. GRCh37 (hg19) VCF-style: chr11-94225949-GT-CA.
Other names: c.18_19delACinsTG (NM_005591.3); c.18_19delinsTG, p.Leu7Val (NM_001330347.2, NM_005590.4); c.18_19delinsTG (NM_005591.3); short protein forms L7V.
Identifiers: ClinVar variation 231444 (VCV000231444.14), dbSNP rs876659164, ClinGen allele CA10579428.